The following is an entry in ClinVar:

ClinVar aggregate classification (germline): Pathogenic (1 of 4 stars; one submission).

Allele frequency attached by ClinVar (database versions not stated): gnomAD exomes 0.00001; TOPMed 0.00001.
gnomAD v4.1: 14 of 1,614,194 alleles (0.00087%); highest among the groups gnomAD compares: African/African-American, 0.0027%; no homozygotes.

Submission:

Labcorp Genetics (formerly Invitae), Labcorp
Classification: Pathogenic. Last evaluated: 2023-05-17. Review status: criteria provided, single submitter. Criteria: Invitae Variant Classification Sherloc (09022015). Collection method: clinical testing. Allele origin: germline.
Comment: For these reasons, this variant has been classified as Pathogenic. This variant has not been reported in the literature in individuals affected with SLC25A38-related conditions. This variant is present in population databases (no rsID available, gnomAD 0.01%). This sequence change creates a premature translational stop signal (p.Ser5*) in the SLC25A38 gene. It is expected to result in an absent or disrupted protein product. Loss-of-function variants in SLC25A38 are known to be pathogenic (PMID: 19412178, 25985931).

Literature cited by the submitters: PubMed 19412178; PubMed 25985931.

NM_017875.4(SLC25A38):c.14C>G (p.Ser5Ter)

Genes: SLC25A38 (solute carrier family 25 member 38; plus strand), LOC129936510 (ATAC-STARR-seq lymphoblastoid active region 19704; plus strand). Cytogenetic location: 3p22.1.
Variant type: single nucleotide variant.
Coding change: c.14C>G on transcript NM_017875.4 (MANE Select); coding-DNA position 14, C replaced by G.
Protein change: p.Ser5Ter; replaces serine 5 with a stop codon.
Molecular consequence: nonsense.
Genome position (GRCh38, 1-based): chr3:39,383,738, C>G. VCF-style: chr3-39383738-C-G. GRCh37 (hg19) VCF-style: chr3-39425229-C-G.
Other names: c.14C>G, p.Ser5Ter (NM_001354798.2); short protein forms S5*.
Identifiers: ClinVar variation 2961574 (VCV002961574.3), dbSNP rs1245684154, ClinGen allele CA352196583.